The following is an entry in ClinVar:

NM_006947.4(SRP72):c.410G>A (p.Arg137Gln)

Gene: SRP72 (signal recognition particle 72; plus strand). Cytogenetic location: 4q12.
Variant type: single nucleotide variant.
Coding change: c.410G>A on transcript NM_006947.4 (MANE Select); coding-DNA position 410, G replaced by A.
Protein change: p.Arg137Gln; replaces arginine 137 with glutamine.
Molecular consequence: missense variant. On other transcripts: non-coding transcript variant (1).
Genome position (GRCh38, 1-based): chr4:56,474,109, G>A. VCF-style: chr4-56474109-G-A. GRCh37 (hg19) VCF-style: chr4-57340275-G-A.
Other names: c.410G>A, p.Arg137Gln (NM_001267722.2); short protein forms R137Q.
Identifiers: ClinVar variation 1337972 (VCV001337972.8), dbSNP rs747009982, ClinGen allele CA2931060.
Genomic context (GRCh38, chr4:56,474,109, plus strand): 5'-TTCAGTTATACCGTTTGGAACGCTATGATGAATGCTTAGCAGTGTATAGAGATCTCGTCC[G>A]AAACTCCCAAGATGATTATGATGAGGAGAGGAAAACAAACCTTTCAGCAGTTGTTGCAGC-3'
Protein context (NP_008878.3, residues 127-147): ECLAVYRDLV[Arg137Gln]NSQDDYDEER

ClinVar aggregate classification (germline): Uncertain significance. Review status: criteria provided, multiple submitters, no conflicts (2 of 4 stars). 3 submissions from 3 submitters: Uncertain significance (3). Last evaluated 2023-04-05.

Allele frequency attached by ClinVar (database versions not stated): gnomAD 0.00001; gnomAD exomes 0.00001; ExAC 0.00002.
gnomAD v4.1: 11 of 1,613,984 alleles (0.00068%); highest among the groups gnomAD compares: East Asian, 0.0067%; no homozygotes.

Submissions (3):

Labcorp Genetics (formerly Invitae), Labcorp
Classification: Uncertain significance. Last evaluated: 2023-04-05. Review status: criteria provided, single submitter. Criteria: Invitae Variant Classification Sherloc (09022015). Collection method: clinical testing. Allele origin: germline.
Comment: This sequence change replaces arginine, which is basic and polar, with glutamine, which is neutral and polar, at codon 137 of the SRP72 protein (p.Arg137Gln). This variant is present in population databases (rs747009982, gnomAD 0.006%). This variant has not been reported in the literature in individuals affected with SRP72-related conditions. ClinVar contains an entry for this variant (Variation ID: 1337972). Advanced modeling of protein sequence and biophysical properties (such as structural, functional, and spatial information, amino acid conservation, physicochemical variation, residue mobility, and thermodynamic stability) performed at Invitae indicates that this missense variant is not expected to disrupt SRP72 protein function. In summary, the available evidence is currently insufficient to determine the role of this variant in disease. Therefore, it has been classified as a Variant of Uncertain Significance.

Genetic Services Laboratory, University of Chicago
Classification: Uncertain significance. Last evaluated: 2021-06-11. Review status: criteria provided, single submitter. Criteria: ACMG Guidelines, 2015. Collection method: clinical testing. Allele origin: germline. Affected: no.
Comment: DNA sequence analysis of the SRP72 gene demonstrated a sequence change, c.410G>A, in exon 4 that results in an amino acid change, p.Arg137Gln. This sequence change has been described in the gnomAD database with frequency of 0.0065% in the South Asian subpopulation (dbSNP rs747009982). The p.Arg137Gln change affects a moderately conserved amino acid residue located in a domain of the SRP72 protein that is not known to be functional. In-silico pathogenicity prediction tools (SIFT, PolyPhen2, Align GVGD, REVEL) provide contradictory results for the p.Arg137Gln substitution. This sequence change does not appear to have been previously described in patients with SRP72-related disorders. Due to insufficient evidences and the lack of functional studies, the clinical significance of the p.Arg137Gln change remains unknown at this time.

Breakthrough Genomics
Classification: Uncertain significance. Review status: criteria provided, single submitter. Criteria: ACMG Guidelines, 2015. Collection method: not provided. Allele origin: germline. Inheritance: Autosomal dominant inheritance. Affected: yes.